The following is an entry in ClinVar:

ClinVar aggregate classification (germline): Uncertain significance (1 of 4 stars; one submission).

Submission:

Ambry Genetics
Classification: Uncertain significance. Last evaluated: 2026-06-09. Review status: criteria provided, single submitter. Criteria: Ambry Variant Classification Scheme 2023. Collection method: clinical testing. Allele origin: germline.
Comment: The p.S16T variant (also known as c.46T>A), located in coding exon 1 of the MYLK2 gene, results from a T to A substitution at nucleotide position 46. The serine at codon 16 is replaced by threonine, an amino acid with similar properties. This amino acid position is conserved. In addition, this alteration is predicted to be tolerated by in silico analysis. Based on the available evidence, the clinical significance of this variant remains unclear.

NM_033118.4(MYLK2):c.46T>A (p.Ser16Thr)

Gene: MYLK2 (myosin light chain kinase 2; plus strand). Cytogenetic location: 20q11.21.
Variant type: single nucleotide variant.
Coding change: c.46T>A on transcript NM_033118.4 (MANE Select); coding-DNA position 46, T replaced by A.
Protein change: p.Ser16Thr; replaces serine 16 with threonine.
Molecular consequence: missense variant.
Genome position (GRCh38, 1-based): chr20:31,819,626, T>A. VCF-style: chr20-31819626-T-A. GRCh37 (hg19) VCF-style: chr20-30407429-T-A.
Other names: short protein forms S16T.
Identifiers: ClinVar variation 4860634 (VCV004860634.1).